The following is an entry in ClinVar:

NM_022124.6(CDH23):c.3580-12C>T

Genes: C10orf105 (chromosome 10 open reading frame 105; minus strand), CDH23 (cadherin related 23; plus strand). Cytogenetic location: 10q22.1.
Variant type: single nucleotide variant.
Coding change: c.3580-12C>T on transcript NM_022124.6 (MANE Select); 12 bases into the intron before coding-DNA position 3580, C replaced by T.
Molecular consequence: intron variant.
Genome position (GRCh38, 1-based): chr10:71,730,457, C>T. VCF-style: chr10-71730457-C-T. GRCh37 (hg19) VCF-style: chr10-73490214-C-T.
Other names: c.3580-12C>T (NM_001171930.2); c.-6+7271G>A (NM_001168390.2).
Identifiers: ClinVar variation 45924 (VCV000045924.19), dbSNP rs73275848, ClinGen allele CA137384.

ClinVar aggregate classification (germline): Benign. Review status: criteria provided, multiple submitters, no conflicts (2 of 4 stars). 7 submissions from 6 submitters: Benign (7). Last evaluated 2026-02-04.

Conditions:
Autosomal recessive nonsyndromic hearing loss 12. Also called: DEAFNESS, AUTOSOMAL RECESSIVE 12. Identifiers: Orphanet 90636, MedGen C1832394, MONDO:0011067, OMIM 601386.
Usher syndrome type 1D (USH1D). Also called: USHER SYNDROME, TYPE ID. Identifiers: Orphanet 231169, Orphanet 886, MedGen C1832845, MONDO:0010984, OMIM 601067.

Allele frequency attached by ClinVar (database versions not stated): TOPMed 0.05625; gnomAD 0.04957 and 0.05331; ESP Exome Variant Server 0.05275; gnomAD exomes 0.00482 and 0.01209; ExAC 0.01489; 1000 Genomes Project 30x 0.05965; 1000 Genomes Project 0.05531.
gnomAD v4.1: 14,905 of 1,612,894 alleles (0.92%); highest among the groups gnomAD compares: African/African-American, 17%; 1,205 homozygotes.

Submissions (7):

Labcorp Genetics (formerly Invitae), Labcorp
Classification: Benign. Last evaluated: 2026-02-04. Review status: criteria provided, single submitter. Criteria: Invitae Variant Classification Sherloc (09022015). Collection method: clinical testing. Allele origin: germline.

Women's Health and Genetics/Laboratory Corporation of America, LabCorp
Classification: Benign. Last evaluated: 2025-11-14. Review status: criteria provided, single submitter. Criteria: LabCorp Variant Classification Summary - May 2015. Collection method: clinical testing. Allele origin: germline.

Illumina Laboratory Services, Illumina
Classification: Benign for Autosomal recessive nonsyndromic hearing loss 12. Last evaluated: 2018-01-13. Review status: criteria provided, single submitter. Criteria: ICSL Variant Classification Criteria 13 December 2019. Collection method: clinical testing. Allele origin: germline.
Comment: This variant was observed in the ICSL laboratory as part of a predisposition screen in an ostensibly healthy population. It had not been previously curated by ICSL or reported in the Human Gene Mutation Database (HGMD: prior to June 1st, 2018), and was therefore a candidate for classification through an automated scoring system. Utilizing variant allele frequency, disease prevalence and penetrance estimates, and inheritance mode, an automated score was calculated to assess if this variant is too frequent to cause the disease. Based on the score and internal cut-off values, a variant classified as benign is not then subjected to further curation. The score for this variant resulted in a classification of benign for this disease.

Illumina Laboratory Services, Illumina
Classification: Benign for Usher syndrome type 1D. Last evaluated: 2018-01-13. Review status: criteria provided, single submitter. Criteria: ICSL Variant Classification Criteria 13 December 2019. Collection method: clinical testing. Allele origin: germline.
Comment: the same text as in the submission from Illumina Laboratory Services, Illumina above.

GeneDx
Classification: Benign. Last evaluated: 2017-03-16. Review status: criteria provided, single submitter. Criteria: GeneDx Variant Classification (06012015). Collection method: clinical testing. Allele origin: germline. Affected: yes.
Comment: This variant is considered likely benign or benign based on one or more of the following criteria: it is a conservative change, it occurs at a poorly conserved position in the protein, it is predicted to be benign by multiple in silico algorithms, and/or has population frequency not consistent with disease.

Laboratory for Molecular Medicine, Mass General Brigham Personalized Medicine
Classification: Benign. Last evaluated: 2011-10-24. Review status: criteria provided, single submitter. Criteria: LMM Criteria. Collection method: clinical testing. Allele origin: germline. Observed: 51 variant alleles.
Comment: 3580-12C>T in intron 31 of CDH23: This variant is not expected to have clinical significance because it has been identified in 19.5% (23/118) African control ch romosomes and 6% (54/900) general population chromosomes (rs73275848). Furthermo re, this variant is not expected to have clinical significance because it is not located in the conserved region of the splicing consensus sequence.

Breakthrough Genomics
Classification: Benign. Review status: criteria provided, single submitter. Criteria: ACMG Guidelines, 2015. Collection method: not provided. Allele origin: germline. Inheritance: Autosomal recessive inheritance. Affected: yes.